The following is an entry in ClinVar:

NM_020975.6(RET):c.1491G>C (p.Gln497His)

Gene: RET (ret proto-oncogene; plus strand). Cytogenetic location: 10q11.21.
Variant type: single nucleotide variant.
Coding change: c.1491G>C on transcript NM_020975.6 (MANE Select); coding-DNA position 1491, G replaced by C.
Protein change: p.Gln497His; replaces glutamine 497 with histidine.
Molecular consequence: missense variant.
Genome position (GRCh38, 1-based): chr10:43,111,434, G>C. VCF-style: chr10-43111434-G-C. GRCh37 (hg19) VCF-style: chr10-43606882-G-C.
Other names: c.1362G>C, p.Gln454His (NM_001406768.1, NM_001406761.1, NM_001406762.1 and 1 more transcripts); c.1095G>C, p.Gln365His (NM_001406769.1, NM_001406772.1); c.1203G>C, p.Gln401His (NM_001406770.1, NM_001406766.1, NM_001406767.1); c.1053G>C, p.Gln351His (NM_001406771.1, NM_001406773.1); c.966G>C, p.Gln322His (NM_001406774.1); c.765G>C, p.Gln255His (NM_001406775.1, NM_001406776.1, NM_001406777.1 and 1 more transcripts); c.1491G>C, p.Gln497His (NM_000323.2, NM_001406743.1, NM_001406744.1 and 6 more transcripts); c.729G>C, p.Gln243His (NM_001355216.2); and 1 more; short protein forms Q351H, Q243H, Q322H, Q365H, Q255H, Q401H, Q167H, Q454H.
Identifiers: ClinVar variation 2135764 (VCV002135764.4), dbSNP rs2538445896, ClinGen allele CA376549926.
Genomic context (GRCh38, chr10:43,111,434, plus strand): 5'-GTGTGCCGAACTTCACTACATGGTGGTGGCCACCGACCAGCAGACCTCTAGGCAGGCCCA[G>C]GCCCAGCTGCTTGTAACAGTGGAGGGGTCATGTGAGTGCCTGCTCCAGGGAGGGAGGGTC-3'
Protein context (NP_066124.1, residues 487-507): ATDQQTSRQA[Gln497His]AQLLVTVEGS

ClinVar aggregate classification (germline): Uncertain significance (1 of 4 stars; one submission).

Conditions:
Multiple endocrine neoplasia, type 2 (MEN2). Identifiers: Orphanet 653, MedGen C4048306, MONDO:0019003. Disease mechanism: gain of function.

Submission:

Labcorp Genetics (formerly Invitae), Labcorp
Classification: Uncertain significance for Multiple endocrine neoplasia, type 2. Last evaluated: 2022-05-09. Review status: criteria provided, single submitter. Criteria: Invitae Variant Classification Sherloc (09022015). Collection method: clinical testing. Allele origin: germline.
Comment: Algorithms developed to predict the effect of missense changes on protein structure and function are either unavailable or do not agree on the potential impact of this missense change (SIFT: "Tolerated"; PolyPhen-2: "Possibly Damaging"; Align-GVGD: "Class C0"). This sequence change replaces glutamine, which is neutral and polar, with histidine, which is basic and polar, at codon 497 of the RET protein (p.Gln497His). This variant is not present in population databases (gnomAD no frequency). This variant has not been reported in the literature in individuals affected with RET-related conditions. In summary, the available evidence is currently insufficient to determine the role of this variant in disease. Therefore, it has been classified as a Variant of Uncertain Significance.